The following is an entry in ClinVar:

NC_000017.10:g.(?_41215330)_(41223340_?)del

Gene: BRCA1 (BRCA1 DNA repair associated; minus strand). Cytogenetic location: 17q21.31.
Variant type: Deletion.
Identifiers: ClinVar variation 1069175 (VCV001069175.3).

ClinVar aggregate classification (germline): Pathogenic (1 of 4 stars; one submission).

Conditions:
Hereditary breast ovarian cancer syndrome. Also called: Breast and ovarian cancer; BRCA1- and BRCA2-Associated Hereditary Breast and Ovarian Cancer; Hereditary breast and ovarian cancer syndrome; Hereditary breast and/or ovarian cancer syndrome; Hereditary breast and ovarian cancer; Hereditary breast and ovarian cancer syndrome (HBOC). Identifiers: Orphanet 145, MedGen C0677776, MeSH D061325, MONDO:0003582. Disease mechanism: loss of function.

Submission:

Labcorp Genetics (formerly Invitae), Labcorp
Classification: Pathogenic for Hereditary breast ovarian cancer syndrome. Last evaluated: 2022-03-27. Review status: criteria provided, single submitter. Criteria: Invitae Variant Classification Sherloc (09022015). Collection method: clinical testing. Allele origin: germline.
Comment: For these reasons, this variant has been classified as Pathogenic. A similar copy number variant has been observed in individual(s) with breast cancer (PMID: 25066507). This variant is a gross deletion of the genomic region encompassing exon(s) 15-18 of the BRCA1 gene. This deletion is out-of-frame, and is expected to create a premature termination codon and result in an absent or disrupted protein product. Loss-of-function variants in BRCA1 are known to be pathogenic (PMID: 20104584).

Literature cited by the submitters: PubMed 25066507; PubMed 20104584.